The following is an entry in ClinVar:

ClinVar aggregate classification (germline): Benign/Likely benign. Review status: criteria provided, multiple submitters, no conflicts (2 of 4 stars). 3 submissions from 3 submitters: Benign (1); Likely benign (2). Last evaluated 2024-07-08.

Conditions:
Hereditary cancer-predisposing syndrome. Also called: Neoplastic Syndromes, Hereditary; Hereditary Cancer Syndrome; Tumor predisposition; Hereditary neoplastic syndrome. Identifiers: Orphanet 140162, MedGen C0027672, MeSH D009386, MONDO:0015356.
Familial cancer of breast. Also called: Hereditary breast cancer; BREAST CANCER, FAMILIAL; hereditary breast carcinoma. Identifiers: Orphanet 227535, MedGen C0346153, MONDO:0016419, OMIM 114480. Disease mechanism: loss of function.
Ataxia-telangiectasia syndrome (AT). Also called: LOUIS-BAR SYNDROME; Cerebello-oculocutaneous telangiectasia; Immunodeficiency with ataxia telangiectasia; Ataxia-telangiectasia, complementation group D; AT, COMPLEMENTATION GROUP C; Ataxia-telangiectasia, complementation group E. Identifiers: Orphanet 100, MedGen C0004135, MONDO:0008840, OMIM 208900.

Submissions (3):

Labcorp Genetics (formerly Invitae), Labcorp
Classification: Likely benign for Ataxia-telangiectasia syndrome. Last evaluated: 2024-07-08. Review status: criteria provided, single submitter. Criteria: Invitae Variant Classification Sherloc (09022015). Collection method: clinical testing. Allele origin: germline.

Myriad Genetics, Inc.
Classification: Benign for Familial cancer of breast. Last evaluated: 2024-06-17. Review status: criteria provided, single submitter. Criteria: Myriad Autosomal Dominant, Autosomal Recessive and X-Linked Classification Criteria (2023). Collection method: clinical testing. Allele origin: unknown.
Comment: This variant is considered benign. This variant is a silent/synonymous amino acid change and it is not expected to impact splicing.

Ambry Genetics
Classification: Likely benign for Hereditary cancer-predisposing syndrome. Last evaluated: 2015-10-01. Review status: criteria provided, single submitter. Criteria: Ambry Variant Classification Scheme 2023. Collection method: clinical testing. Allele origin: germline.

NM_000051.4(ATM):c.7681C>T (p.Leu2561=)

Genes: ATM (ATM serine/threonine kinase; plus strand), C11orf65 (chromosome 11 open reading frame 65; minus strand). Cytogenetic location: 11q22.3.
Variant type: single nucleotide variant.
Coding change: c.7681C>T on transcript NM_000051.4 (MANE Select); coding-DNA position 7681, C replaced by T.
Protein change: p.Leu2561=; no amino-acid change (leucine 2561 retained).
Molecular consequence: synonymous variant. On other transcripts: intron variant (2).
Genome position (GRCh38, 1-based): chr11:108,331,930, C>T. VCF-style: chr11-108331930-C-T. GRCh37 (hg19) VCF-style: chr11-108202657-C-T.
Other names: c.7681C>T, p.Leu2561= (NM_001351834.2); c.641-22859G>A (NM_001330368.2); c.*38+3290G>A (NM_001351110.2).
Identifiers: ClinVar variation 414616 (VCV000414616.13), dbSNP rs1060504314, ClinGen allele CA16613431.